The following is an entry in ClinVar:

NM_001353345.2(SETD1B):c.1502C>T (p.Ser501Leu)

Gene: SETD1B (SET domain containing 1B, histone lysine methyltransferase; plus strand). Cytogenetic location: 12q24.31.
Variant type: single nucleotide variant.
Coding change: c.1502C>T on transcript NM_001353345.2 (MANE Select); coding-DNA position 1502, C replaced by T.
Protein change: p.Ser501Leu; replaces serine 501 with leucine.
Molecular consequence: missense variant.
Genome position (GRCh38, 1-based): chr12:121,810,447, C>T. VCF-style: chr12-121810447-C-T. GRCh37 (hg19) VCF-style: chr12-122248353-C-T.
Other names: NM_015048.1:c.1502C>T; short protein forms S501L.
Identifiers: ClinVar variation 2643436 (VCV002643436.25), dbSNP rs568396377, ClinGen allele CA6838880.
Genomic context (GRCh38, chr12:121,810,447, plus strand): 5'-GCACGCCCACGCTGGAGTCGTCCCCTGCAGGGCCAGAGAAACCCCACGACAGCCTGGACT[C>T]GCGCATCGAGATGCTGCTGAAGGAGCAGCGCACCAAGCTGCTCTTCCTGAGGGAGCCGGA-3'
Protein context (NP_001340274.1, residues 491-511): GPEKPHDSLD[Ser501Leu]RIEMLLKEQR

ClinVar aggregate classification (germline): Uncertain significance. Review status: criteria provided, multiple submitters, no conflicts (2 of 4 stars). 2 submissions from 2 submitters: Uncertain significance (2). Last evaluated 2024-02-28.

Conditions:
Inborn genetic diseases. Identifiers: MedGen C0950123, MeSH D030342.

Allele frequency attached by ClinVar (database versions not stated): gnomAD 0.00001; ExAC 0.00006; 1000 Genomes Project 30x 0.00016; 1000 Genomes Project 0.00020.

Submissions (2):

Ambry Genetics
Classification: Uncertain significance for Inborn genetic diseases. Last evaluated: 2024-02-28. Review status: criteria provided, single submitter. Criteria: Ambry Variant Classification Scheme 2023. Collection method: clinical testing. Allele origin: germline.

CeGaT Center for Human Genetics Tuebingen
Classification: Uncertain significance. Last evaluated: 2023-06-01. Review status: criteria provided, single submitter. Criteria: CeGaT Center For Human Genetics Tuebingen Variant Classification Criteria Version 2. Collection method: clinical testing. Allele origin: germline. Affected: yes. Observed: 1 variant allele.
Comment: SETD1B: PP2, PP3